The following is an entry in ClinVar:

NM_001082538.3(TCTN1):c.1349C>T (p.Pro450Leu)

Gene: TCTN1 (tectonic family member 1; plus strand). Cytogenetic location: 12q24.11.
Variant type: single nucleotide variant.
Coding change: c.1349C>T on transcript NM_001082538.3 (MANE Select); coding-DNA position 1349, C replaced by T.
Protein change: p.Pro450Leu; replaces proline 450 with leucine.
Molecular consequence: missense variant. On other transcripts: non-coding transcript variant (1).
Genome position (GRCh38, 1-based): chr12:110,644,984, C>T. VCF-style: chr12-110644984-C-T. GRCh37 (hg19) VCF-style: chr12-111082789-C-T.
Other names: c.1349C>T (NM_001082538.2); c.1349C>T, p.Pro450Leu (NM_001082537.3); c.1181C>T, p.Pro394Leu (NM_001173975.3); c.1022C>T, p.Pro341Leu (NM_001173976.2); c.1202C>T, p.Pro401Leu (NM_001319680.2); c.815C>T, p.Pro272Leu (NM_001319681.2); c.1307C>T, p.Pro436Leu (NM_024549.6); short protein forms P341L, P394L, P401L, P436L, P272L, P450L.
Identifiers: ClinVar variation 1409591 (VCV001409591.9), dbSNP rs755076199, ClinGen allele CA6786879.

ClinVar aggregate classification (germline): Uncertain significance. Review status: criteria provided, multiple submitters, no conflicts (2 of 4 stars). 3 submissions from 3 submitters: Uncertain significance (3). Last evaluated 2024-08-27.

Conditions:
Joubert syndrome. Also called: CEREBELLOPARENCHYMAL DISORDER IV; JOUBERT-BOLTSHAUSER SYNDROME; Familial aplasia of the vermis. Identifiers: Orphanet 475, MedGen C5979921, MONDO:0018772.
Meckel-Gruber syndrome. Also called: DYSENCEPHALIA SPLANCHNOCYSTICA; GRUBER SYNDROME; Dysencephalia splachnocystica. Identifiers: Orphanet 564, MedGen C0265215, MONDO:0018921.
Inborn genetic diseases. Identifiers: MedGen C0950123, MeSH D030342.

Allele frequency attached by ClinVar (database versions not stated): ExAC 0.00001; gnomAD 0.00001; gnomAD exomes 0.00001 and 0.00002; TOPMed 0.00002.
gnomAD v4.1: 15 of 1,614,132 alleles (0.00093%); highest among the groups gnomAD compares: Middle Eastern, 0.033%; 1 homozygote.

Submissions (3):

Ambry Genetics
Classification: Uncertain significance for Inborn genetic diseases. Last evaluated: 2024-08-27. Review status: criteria provided, single submitter. Criteria: Ambry Variant Classification Scheme 2023. Collection method: clinical testing. Allele origin: germline.

Labcorp Genetics (formerly Invitae), Labcorp
Classification: Uncertain significance for Joubert syndrome; Meckel-Gruber syndrome. Last evaluated: 2023-12-06. Review status: criteria provided, single submitter. Criteria: Invitae Variant Classification Sherloc (09022015). Collection method: clinical testing. Allele origin: germline.
Comment: This sequence change replaces proline, which is neutral and non-polar, with leucine, which is neutral and non-polar, at codon 450 of the TCTN1 protein (p.Pro450Leu). This variant is present in population databases (rs755076199, gnomAD 0.008%). This variant has not been reported in the literature in individuals affected with TCTN1-related conditions. ClinVar contains an entry for this variant (Variation ID: 1409591). Advanced modeling of protein sequence and biophysical properties (such as structural, functional, and spatial information, amino acid conservation, physicochemical variation, residue mobility, and thermodynamic stability) performed at Invitae indicates that this missense variant is not expected to disrupt TCTN1 protein function with a negative predictive value of 80%. In summary, the available evidence is currently insufficient to determine the role of this variant in disease. Therefore, it has been classified as a Variant of Uncertain Significance.

Breakthrough Genomics
Classification: Uncertain significance. Review status: criteria provided, single submitter. Criteria: ACMG Guidelines, 2015. Collection method: not provided. Allele origin: germline. Inheritance: Autosomal recessive inheritance. Affected: yes.